The following is an entry in ClinVar:

NM_000329.3(RPE65):c.737C>T (p.Thr246Ile)

Gene: RPE65 (retinoid isomerohydrolase RPE65; minus strand). Cytogenetic location: 1p31.3.
Variant type: single nucleotide variant.
Coding change: c.737C>T on transcript NM_000329.3 (MANE Select); coding-DNA position 737, C replaced by T.
Protein change: p.Thr246Ile; replaces threonine 246 with isoleucine.
Molecular consequence: missense variant.
Genome position (GRCh38, 1-based): chr1:68,439,312, G>A on the plus strand (C>T on the coding strand, the complement: RPE65 is on the minus strand). VCF-style: chr1-68439312-G-A. GRCh37 (hg19) VCF-style: chr1-68904995-G-A.
Other names: NM_000329.3:c.737C>T; c.629C>T, p.Thr210Ile (NM_001406853.1); c.461C>T, p.Thr154Ile (NM_001406856.1, NM_001406857.1); c.737C>T, p.Thr246Ile (NM_001406859.1); short protein forms T154I, T210I, T246I.
Identifiers: ClinVar variation 4856784 (VCV004856784.1).

ClinVar aggregate classification (germline): Likely pathogenic (3 of 4 stars; one submission).

Conditions:
RPE65-related recessive retinopathy. Also called: Recessive RPE65 retinopathy. Identifiers: MedGen CN305526, MONDO:0100368.

Submission:

ClinGen Leber Congenital Amaurosis/early Onset Retinal Dystrophy Variant Curation Expert Panel, ClinGen
Classification: Likely pathogenic for RPE65-related recessive retinopathy. Last evaluated: 2026-06-23. Review status: reviewed by expert panel. Criteria: ClinGen LCAeoRD ACMG Specifications RPE65 V1.0.0. Collection method: curation. Allele origin: germline. Inheritance: Autosomal recessive inheritance.
Comment: NM_000329.3(RPE65):c.737C>T (p.Thr246Ile) is a missense variant causing substitution of threonine by isoleucine at amino acid 246. This variant is absent from gnomAD v4.1.0 (PM2_Supporting). This variant has been reported in at least 1 proband with early-onset severe retinal dystrophy who was homozygous for the variant (0.5 points, clinician-provided data, PM3_Supporting). At least one unpublished proband harboring this variant exhibits a phenotype consistent with early-onset severe retinal dystrophy, with clinical details omitted from this report for privacy, which together are specific for RPE65-related recessive retinopathy (total 9 points, clinician-provided data, PP4_Moderate). The variant has been reported to segregate with childhood-onset severe retinal dystrophy through the proband plus 1 similarly affected relative, with the variant present in the homozygous state (VCEP member-provided data, PP1). The computational predictor REVEL gives a score of 0.979, which is above the ClinGen LCA / eoRD VCEP threshold of ≥0.773 and predicts a damaging effect on RPE65 function (PP3_Moderate). The splicing impact predictor SpliceAI gives a score of 0.01 for acceptor loss, which is below the ClinGen LCA / eoRD VCEP recommended threshold of ≥0.2 and does not strongly predict an impact on splicing. In summary, this variant meets the criteria to be classified as Likely Pathogenic for RPE65-related recessive retinopathy based on the ACMG/AMP criteria applied, as specified by the ClinGen LCA/eoRD VCEP: PM2_Supporting, PM3_Supporting, PP3_Moderate, PP4_Moderate, and PP1. (VCEP specifications version 1.0.0; date of approval 09/21/2023).